The following is an entry in ClinVar:

NM_004655.4(AXIN2):c.1438C>T (p.Leu480=)

Gene: AXIN2 (axin 2; minus strand). Cytogenetic location: 17q24.1.
Variant type: single nucleotide variant.
Coding change: c.1438C>T on transcript NM_004655.4 (MANE Select); coding-DNA position 1438, C replaced by T.
Protein change: p.Leu480=; no amino-acid change (leucine 480 retained).
Molecular consequence: synonymous variant.
Genome position (GRCh38, 1-based): chr17:65,537,598, G>A on the plus strand (C>T on the coding strand, the complement: AXIN2 is on the minus strand). VCF-style: chr17-65537598-G-A. GRCh37 (hg19) VCF-style: chr17-63533716-G-A.
Other names: c.1438C>T (LRG_296t1); c.1438C>T, p.Leu480= (NM_001363813.1).
Identifiers: ClinVar variation 415227 (VCV000415227.15), dbSNP rs1060504490, ClinGen allele CA16615916.

ClinVar aggregate classification (germline): Benign/Likely benign. Review status: criteria provided, multiple submitters, no conflicts (2 of 4 stars). 3 submissions from 3 submitters: Benign (1); Likely benign (2). Last evaluated 2025-07-25.

Conditions:
Hereditary cancer-predisposing syndrome. Also called: Tumor predisposition; Neoplastic Syndromes, Hereditary; Hereditary neoplastic syndrome; Hereditary Cancer Syndrome. Identifiers: Orphanet 140162, MedGen C0027672, MeSH D009386, MONDO:0015356.
Oligodontia-cancer predisposition syndrome. Also called: TOOTH AGENESIS-COLORECTAL CANCER SYNDROME. Identifiers: Orphanet 300576, MedGen C1837750, MONDO:0012075, OMIM 608615. Disease mechanism: loss of function.

Allele frequency attached by ClinVar (database versions not stated): gnomAD exomes below 0.00001; TOPMed 0.00001.
gnomAD v4.1: 2 of 1,604,484 alleles (0.00012%); highest among the groups gnomAD compares: African/African-American, 0.0013%; no homozygotes.

Submissions (3):

Labcorp Genetics (formerly Invitae), Labcorp
Classification: Likely benign for Oligodontia-cancer predisposition syndrome. Last evaluated: 2025-07-25. Review status: criteria provided, single submitter. Criteria: Invitae Variant Classification Sherloc (09022015). Collection method: clinical testing. Allele origin: germline.

Myriad Genetics, Inc.
Classification: Benign for Oligodontia-cancer predisposition syndrome. Last evaluated: 2024-07-03. Review status: criteria provided, single submitter. Criteria: Myriad Autosomal Dominant, Autosomal Recessive and X-Linked Classification Criteria (2023). Collection method: clinical testing. Allele origin: unknown.
Comment: This variant is considered benign. This variant is a silent/synonymous amino acid change and it is not expected to impact splicing.

Ambry Genetics
Classification: Likely benign for Hereditary cancer-predisposing syndrome. Last evaluated: 2020-09-15. Review status: criteria provided, single submitter. Criteria: Ambry Variant Classification Scheme 2023. Collection method: clinical testing. Allele origin: germline.